The following is an entry in ClinVar:

NM_006420.3(ARFGEF2):c.811C>G (p.Pro271Ala)

Gene: ARFGEF2 (ARF guanine nucleotide exchange factor 2; plus strand). Cytogenetic location: 20q13.13.
Variant type: single nucleotide variant.
Coding change: c.811C>G on transcript NM_006420.3 (MANE Select); coding-DNA position 811, C replaced by G.
Protein change: p.Pro271Ala; replaces proline 271 with alanine.
Molecular consequence: missense variant.
Genome position (GRCh38, 1-based): chr20:48,953,763, C>G. VCF-style: chr20-48953763-C-G. GRCh37 (hg19) VCF-style: chr20-47570300-C-G.
Other names: short protein forms P271A.
Identifiers: ClinVar variation 128446 (VCV000128446.47), dbSNP rs143570842, ClinGen allele CA230908.

ClinVar aggregate classification (germline): Conflicting classifications of pathogenicity. Review status: criteria provided, conflicting classifications (1 of 4 stars). 7 submissions from 7 submitters: Uncertain significance (2); Likely benign (4). 1 of the submissions does not count toward it. Last evaluated 2025-12-16.

Conditions:
ARFGEF2-related disorder. Also called: ARFGEF2-related condition.
Periventricular heterotopia with microcephaly, autosomal recessive (ARPHM). Also called: PERIVENTRICULAR NODULAR HETEROTOPIA 2; Periventricular heterotopia with microcephaly. Identifiers: Orphanet 2149, MedGen C1842563, MONDO:0011966, OMIM 608097.

Allele frequency attached by ClinVar (database versions not stated): 1000 Genomes Project 30x 0.00047; 1000 Genomes Project 0.00060; gnomAD 0.00102; ESP Exome Variant Server 0.00177; TOPMed 0.00208.
gnomAD v4.1: 4,416 of 1,614,064 alleles (0.27%); highest among the groups gnomAD compares: Non-Finnish European, 0.36%; 7 homozygotes.

Submissions (7):

Labcorp Genetics (formerly Invitae), Labcorp
Classification: Likely benign. Last evaluated: 2025-12-16. Review status: criteria provided, single submitter. Criteria: Invitae Variant Classification Sherloc (09022015). Collection method: clinical testing. Allele origin: germline.

CeGaT Center for Human Genetics Tuebingen
Classification: Likely benign. Last evaluated: 2025-02-01. Review status: criteria provided, single submitter. Criteria: CeGaT Center For Human Genetics Tuebingen Variant Classification Criteria Version 2. Collection method: clinical testing. Allele origin: germline. Affected: yes. Observed: 2 variant alleles.
Comment: ARFGEF2: BP4

GeneDx
Classification: Likely benign. Last evaluated: 2024-08-09. Review status: criteria provided, single submitter. Criteria: GeneDx Variant Classification Process June 2021. Collection method: clinical testing. Allele origin: germline. Affected: yes.
Comment: See Variant Classification Assertion Criteria.

Illumina Laboratory Services, Illumina
Classification: Uncertain significance for Periventricular heterotopia with microcephaly, autosomal recessive. Last evaluated: 2018-01-13. Review status: criteria provided, single submitter. Criteria: ICSL Variant Classification Criteria 13 December 2019. Collection method: clinical testing. Allele origin: germline.

Genetic Services Laboratory, University of Chicago
Classification: Likely benign. Last evaluated: 2017-07-07. Review status: criteria provided, single submitter. Criteria: ACMG Guidelines, 2015. Collection method: clinical testing. Allele origin: germline. Affected: no.

Athena Diagnostics
Classification: Uncertain significance. Last evaluated: 2016-10-04. Review status: criteria provided, single submitter. Criteria: Athena Diagnostics Criteria. Collection method: clinical testing. Allele origin: germline.

PreventionGenetics, part of Exact Sciences
Classification: Likely benign for ARFGEF2-related condition. Last evaluated: 2023-05-22. Review status: no assertion criteria provided. Collection method: clinical testing. Allele origin: germline. Not counted in ClinVar's aggregate classification.
Comment: This variant is classified as likely benign based on ACMG/AMP sequence variant interpretation guidelines (Richards et al. 2015 PMID: 25741868, with internal and published modifications).